The following is an entry in ClinVar:

NM_001018005.2(TPM1):c.851+5dup

Gene: TPM1 (tropomyosin 1; plus strand). Cytogenetic location: 15q22.2.
Variant type: Duplication.
Coding change: c.851+5dup on transcript NM_001018005.2 (MANE Select); 5 bases into the intron after coding-DNA position 851, one base duplicated (A; older notation c.851+5dupA).
Molecular consequence: intron variant. On other transcripts: no sequence alteration (4).
Genome position (GRCh38, 1-based): chr15:63,064,147, A duplicated; the last of 3 consecutive A bases (chr15:63,064,145-63,064,147); duplicating any one gives the same sequence. VCF-style (leftmost placement, unchanged base first): chr15-63064144-T-TA. GRCh37 (hg19) VCF-style: chr15-63356343-T-TA.
Other names: c.*1dup, p.Ter285= (NM_000366.6, NM_001365779.1); c.*1dup, p.Ter249= (NM_001365781.2, NM_001365782.1); c.898+1502dup (NM_001365778.1); c.772+1502dup (NM_001018020.2, NM_001018007.2, NM_001018006.2 and 3 more transcripts); c.851+5dup (NM_001301244.2); c.664+1502dup (NM_001330351.2, NM_001330344.2, NM_001018008.2 and 2 more transcripts); c.743+5dup (NM_001330346.2).
Identifiers: ClinVar variation 925862 (VCV000925862.13), dbSNP rs2036008903, ClinGen allele CA970650467.
Genomic context (GRCh38, chr15:63,064,144, plus strand): 5'-CTGAAGTACAAAGCCATCAGCGAGGAGCTGGACCACGCTCTCAACGATATGACTTCCATG[T>TA]AAACGTTCATCCACTCTGCCTGCTTACACCCTGCCCTCATGCTAATGTAATAAACTCACC-3'

ClinVar aggregate classification (germline): Uncertain significance. Review status: criteria provided, multiple submitters, no conflicts (2 of 4 stars). 5 submissions from 5 submitters: Uncertain significance (3). 2 of the submissions do not count toward it. Last evaluated 2025-04-08.

Conditions:
Cardiomyopathy (CMYO). Also called: Cardiomyopathies. Identifiers: Orphanet 167848, MedGen C0878544, MONDO:0004994, HP:0001638. Inheritance: Various modes of inheritance.
Hypertrophic cardiomyopathy. Also called: HYPERTROPHIC MYOCARDIOPATHY. Identifiers: Orphanet 217569, MedGen C0007194, MeSH D002312, MONDO:0005045, HP:0001639.

Submissions (5):

Labcorp Genetics (formerly Invitae), Labcorp
Classification: Uncertain significance for Hypertrophic cardiomyopathy. Last evaluated: 2025-04-08. Review status: criteria provided, single submitter. Criteria: Invitae Variant Classification Sherloc (09022015). Collection method: clinical testing. Allele origin: germline.
Comment: This sequence change falls in intron 9 of the TPM1 gene. It does not directly change the encoded amino acid sequence of the TPM1 protein. It affects a nucleotide within the consensus splice site. This variant is not present in population databases (gnomAD no frequency). This variant has not been reported in the literature in individuals affected with TPM1-related conditions. ClinVar contains an entry for this variant (Variation ID: 925862). Variants that disrupt the consensus splice site are a relatively common cause of aberrant splicing (PMID: 17576681, 9536098). Algorithms developed to predict the effect of sequence changes on RNA splicing suggest that this variant may disrupt the consensus splice site. In summary, the available evidence is currently insufficient to determine the role of this variant in disease. Therefore, it has been classified as a Variant of Uncertain Significance.

All of Us Research Program, National Institutes of Health
Classification: Uncertain significance for Hypertrophic cardiomyopathy. Last evaluated: 2023-10-06. Review status: criteria provided, single submitter. Criteria: ACMG Guidelines, 2015. Collection method: clinical testing. Allele origin: germline. Inheritance: Autosomal dominant inheritance. Observed: 2 variant alleles, 2 heterozygotes.
Comment: This variant inserts 1 nucleotide in intron 9 of the TPM1 gene. To our knowledge, functional studies have not been reported for this variant. This variant has not been reported in individuals affected with TPM1-related disorders in the literature. This variant has not been identified in the general population by the Genome Aggregation Database (gnomAD). The available evidence is insufficient to determine the role of this variant in disease conclusively. Therefore, this variant is classified as a Variant of Uncertain Significance.

This study involves interpretation of variants in research participants for the purpose of population health screening. Participant phenotype was not available at the time of variant classification. Additional details can be found in publication PMID: 35346344, PMCID: PMC8962531

Color Diagnostics, LLC DBA Color Health
Classification: Uncertain significance for Cardiomyopathy. Last evaluated: 2023-01-23. Review status: criteria provided, single submitter. Criteria: ACMG Guidelines, 2015. Collection method: clinical testing. Allele origin: germline.
Comment: This variant inserts 1 nucleotide in intron 9 of the TPM1 gene. To our knowledge, functional studies have not been reported for this variant. This variant has not been reported in individuals affected with TPM1-related disorders in the literature. This variant has not been identified in the general population by the Genome Aggregation Database (gnomAD). The available evidence is insufficient to determine the role of this variant in disease conclusively. Therefore, this variant is classified as a Variant of Uncertain Significance.

Diagnostic Laboratory, Department of Genetics, University Medical Center Groningen
Classification: Uncertain significance. Review status: no assertion criteria provided. Collection method: clinical testing. Allele origin: germline. Affected: yes. Study: VKGL Data-share Consensus. Not counted in ClinVar's aggregate classification.

Genome Diagnostics Laboratory, University Medical Center Utrecht
Classification: Uncertain significance. Review status: no assertion criteria provided. Collection method: clinical testing. Allele origin: germline. Affected: yes. Study: VKGL Data-share Consensus. Not counted in ClinVar's aggregate classification.

Literature cited by the submitters: PubMed 17576681 (cited by Labcorp Genetics (formerly Invitae), Labcorp); PubMed 9536098 (cited by Labcorp Genetics (formerly Invitae), Labcorp).